The following is an entry in ClinVar:

NM_001303256.3(MORC2):c.2643A>G (p.Ile881Met)

Gene: MORC2 (MORC family CW-type zinc finger 2; minus strand). Cytogenetic location: 22q12.2.
Variant type: single nucleotide variant.
Coding change: c.2643A>G on transcript NM_001303256.3 (MANE Select); coding-DNA position 2643, A replaced by G.
Protein change: p.Ile881Met; replaces isoleucine 881 with methionine.
Molecular consequence: missense variant.
Genome position (GRCh38, 1-based): chr22:30,932,649, T>C on the plus strand (A>G on the coding strand, the complement: MORC2 is on the minus strand). VCF-style: chr22-30932649-T-C. GRCh37 (hg19) VCF-style: chr22-31328636-T-C.
Other names: c.2643A>G, p.Ile881Met (NM_001303257.2); c.2457A>G, p.Ile819Met (NM_014941.3); short protein forms I819M, I881M.
Identifiers: ClinVar variation 3610880 (VCV003610880.4).
Genomic context (GRCh38, chr22:30,932,649, plus strand): 5'-CAGGGCAGTGGTGTCAGGCTCAATGCGGAGGCATTCGGAAGTGGAGGGCTCTGCGACAGC[T>C]ATGGCCTGCTGGGCCACAGGGCCCACCTCCTCCTCCCCGCCCTCCTGTTGTGTATCAAGG-3'
Protein context (NP_001290185.1, residues 871-891): EEVGPVAQQA[Ile881Met]AVAEPSTSEC

ClinVar aggregate classification (germline): Uncertain significance. Review status: criteria provided, multiple submitters, no conflicts (2 of 4 stars). 2 submissions from 2 submitters: Uncertain significance (2). Last evaluated 2026-01-07.

Conditions:
Charcot-Marie-Tooth disease axonal type 2Z. Also called: CHARCOT-MARIE-TOOTH DISEASE, AXONAL, AUTOSOMAL DOMINANT, TYPE 2Z; CHARCOT-MARIE-TOOTH NEUROPATHY, TYPE 2Z. Identifiers: Orphanet 466768, MedGen C5569025, MONDO:0014736, OMIM 616688.

Submissions (2):

Dasa
Classification: Uncertain significance. Last evaluated: 2026-01-07. Review status: criteria provided, single submitter. Criteria: DASA Assertion Criteria. Collection method: clinical testing. Allele origin: germline.
Comment: NM_001303256.3(MORC2):c.2643A>G (p.Ile881Met) is a missense variant that results in the substitution of isoleucine with methionine. This variant is rare in population databases. Computational prediction algorithms are consistent with a benign effect. The currently available literature and clinical evidence are not sufficient to establish a definitive association between this variant and the reported condition. Therefore, this variant is classified as a variant of uncertain significance.

Labcorp Genetics (formerly Invitae), Labcorp
Classification: Uncertain significance for Charcot-Marie-Tooth disease axonal type 2Z. Last evaluated: 2024-07-30. Review status: criteria provided, single submitter. Criteria: Invitae Variant Classification Sherloc (09022015). Collection method: clinical testing. Allele origin: germline.
Comment: This sequence change replaces isoleucine, which is neutral and non-polar, with methionine, which is neutral and non-polar, at codon 881 of the MORC2 protein (p.Ile881Met). This variant is not present in population databases (gnomAD no frequency). This variant has not been reported in the literature in individuals affected with MORC2-related conditions. Advanced modeling of protein sequence and biophysical properties (such as structural, functional, and spatial information, amino acid conservation, physicochemical variation, residue mobility, and thermodynamic stability) performed at Invitae indicates that this missense variant is not expected to disrupt MORC2 protein function with a negative predictive value of 95%. In summary, the available evidence is currently insufficient to determine the role of this variant in disease. Therefore, it has been classified as a Variant of Uncertain Significance.